The following is an entry in ClinVar:

NM_018648.4(NOP10):c.55-15G>C

Gene: NOP10 (NOP10 ribonucleoprotein; minus strand). Cytogenetic location: 15q14.
Variant type: single nucleotide variant.
Coding change: c.55-15G>C on transcript NM_018648.4 (MANE Select); 15 bases into the intron before coding-DNA position 55, G replaced by C.
Molecular consequence: intron variant.
Genome position (GRCh38, 1-based): chr15:34,342,123, C>G on the plus strand (G>C on the coding strand, the complement: NOP10 is on the minus strand). VCF-style: chr15-34342123-C-G. GRCh37 (hg19) VCF-style: chr15-34634324-C-G.
Identifiers: ClinVar variation 261036 (VCV000261036.32), dbSNP rs422388, ClinGen allele CA7464784.

ClinVar aggregate classification (germline): Benign. Review status: criteria provided, multiple submitters, no conflicts (2 of 4 stars). 13 submissions from 13 submitters: Benign (11). 2 of the submissions do not count toward it. Last evaluated 2026-02-04.

Conditions:
Dyskeratosis congenita, autosomal recessive 1. Identifiers: Orphanet 1775, MedGen C1857144, MONDO:0009136, OMIM 224230.
Dyskeratosis congenita. Identifiers: Orphanet 1775, MedGen C0265965, MONDO:0015780.

Allele frequency attached by ClinVar (database versions not stated): gnomAD exomes 0.35942 and 0.36039; ExAC 0.36811; gnomAD 0.43114 and 0.43627; TOPMed 0.44336; 1000 Genomes Project 0.45288; 1000 Genomes Project 30x 0.45487; ESP Exome Variant Server 0.45992.

Submissions (13):

Labcorp Genetics (formerly Invitae), Labcorp
Classification: Benign for Dyskeratosis congenita, autosomal recessive 1. Last evaluated: 2026-02-04. Review status: criteria provided, single submitter. Criteria: Invitae Variant Classification Sherloc (09022015). Collection method: clinical testing. Allele origin: germline.

ARUP Laboratories, Molecular Genetics and Genomics, ARUP Laboratories
Classification: Benign. Last evaluated: 2025-07-28. Review status: criteria provided, single submitter. Criteria: ARUP Molecular Germline Variant Investigation Process 2024. Collection method: clinical testing. Allele origin: germline.

Blueprint Genetics
Classification: Benign. Last evaluated: 2024-11-27. Review status: criteria provided, single submitter. Criteria: ACMG Guidelines, 2015. Collection method: clinical testing. Allele origin: germline.

Unidad de Genómica Garrahan, Hospital de Pediatría Garrahan
Classification: Benign. Last evaluated: 2024-01-24. Review status: criteria provided, single submitter. Criteria: ACMG Guidelines, 2015. Collection method: clinical testing. Allele origin: germline. Affected: no. Observed: 56 variant alleles.
Comment: This variant is classified as Benign based on local population frequency. This variant was detected in 59% of patients studied by a panel of primary immunodeficiencies. Number of patients: 56. Only high quality variants are reported.

Genome-Nilou Lab
Classification: Benign for Dyskeratosis congenita, autosomal recessive 1. Last evaluated: 2021-09-05. Review status: criteria provided, single submitter. Criteria: ACMG Guidelines, 2015. Collection method: clinical testing. Allele origin: germline. Affected: no.

GeneDx
Classification: Benign. Last evaluated: 2018-11-12. Review status: criteria provided, single submitter. Criteria: GeneDx Variant Classification Process June 2021. Collection method: clinical testing. Allele origin: germline. Affected: yes.

Illumina Laboratory Services, Illumina
Classification: Benign for Dyskeratosis congenita, autosomal recessive 1. Last evaluated: 2018-01-13. Review status: criteria provided, single submitter. Criteria: ICSL Variant Classification Criteria 13 December 2019. Collection method: clinical testing. Allele origin: germline.
Comment: This variant was observed in the ICSL laboratory as part of a predisposition screen in an ostensibly healthy population. It had not been previously curated by ICSL or reported in the Human Gene Mutation Database (HGMD: prior to June 1st, 2018), and was therefore a candidate for classification through an automated scoring system. Utilizing variant allele frequency, disease prevalence and penetrance estimates, and inheritance mode, an automated score was calculated to assess if this variant is too frequent to cause the disease. Based on the score and internal cut-off values, a variant classified as benign is not then subjected to further curation. The score for this variant resulted in a classification of benign for this disease.

Laboratory for Molecular Medicine, Mass General Brigham Personalized Medicine
Classification: Benign. Last evaluated: 2016-03-29. Review status: criteria provided, single submitter. Criteria: LMM Criteria. Collection method: clinical testing. Allele origin: germline.
Comment: Variant identified in a genome or exome case(s) and assessed due to predicted null impact of the variant or pathogenic assertions in the literature or databases. Disclaimer: This variant has not undergone full assessment. The following are preliminary notes: Frequency

Ambry Genetics
Classification: Benign for Dyskeratosis congenita. Last evaluated: 2014-12-24. Review status: criteria provided, single submitter. Criteria: Ambry Variant Classification Scheme 2023. Collection method: clinical testing. Allele origin: germline.

Breakthrough Genomics
Classification: Benign. Review status: criteria provided, single submitter. Criteria: ACMG Guidelines, 2015. Collection method: not provided. Allele origin: germline. Inheritance: Autosomal recessive inheritance. Affected: yes.

PreventionGenetics, part of Exact Sciences
Classification: Benign. Review status: criteria provided, single submitter. Criteria: ACMG Guidelines, 2015. Collection method: clinical testing. Allele origin: germline.

Diagnostic Laboratory, Department of Genetics, University Medical Center Groningen
Classification: Benign. Review status: no assertion criteria provided. Collection method: clinical testing. Allele origin: germline. Affected: yes. Study: VKGL Data-share Consensus. Not counted in ClinVar's aggregate classification.

Joint Genome Diagnostic Labs from Nijmegen and Maastricht, Radboudumc and MUMC+
Classification: Benign. Review status: no assertion criteria provided. Collection method: clinical testing. Allele origin: germline. Affected: yes. Study: VKGL Data-share Consensus. Not counted in ClinVar's aggregate classification.